The following is an entry in ClinVar:

NM_019112.4(ABCA7):c.4253C>G (p.Ser1418Trp)

Gene: ABCA7 (ATP binding cassette subfamily A member 7; plus strand). Cytogenetic location: 19p13.3.
Variant type: single nucleotide variant.
Coding change: c.4253C>G on transcript NM_019112.4 (MANE Select); coding-DNA position 4253, C replaced by G.
Protein change: p.Ser1418Trp; replaces serine 1418 with tryptophan.
Molecular consequence: missense variant.
Genome position (GRCh38, 1-based): chr19:1,056,080, C>G. VCF-style: chr19-1056080-C-G. GRCh37 (hg19) VCF-style: chr19-1056079-C-G.
Other names: short protein forms S1418W.
Identifiers: ClinVar variation 3902517 (VCV003902517.1).

ClinVar aggregate classification (germline): Uncertain significance (1 of 4 stars; one submission).

gnomAD v4.1: 33 of 1,593,812 alleles (0.0021%); highest among the groups gnomAD compares: Admixed American, 0.048%; no homozygotes.

Submission:

Women's Health and Genetics/Laboratory Corporation of America, LabCorp
Classification: Uncertain significance. Last evaluated: 2025-05-05. Review status: criteria provided, single submitter. Criteria: LabCorp Variant Classification Summary - May 2015. Collection method: clinical testing. Allele origin: germline.
Comment: Variant summary: ABCA7 c.4253C>G (p.Ser1418Trp) results in a non-conservative amino acid change in the encoded protein sequence. Algorithms developed to predict the effect of missense changes on protein structure and function all suggest that this variant is likely to be disruptive. The variant allele was found at a frequency of 2.1e-05 in 233534 control chromosomes (gnomAD). The available data on variant occurrences in the general population are insufficient to allow any conclusion about variant significance. To our knowledge, no occurrence of c.4253C>G in individuals affected with Alzheimer Disease, Type 9 and no experimental evidence demonstrating its impact on protein function have been reported. No submitters have cited clinical-significance assessments for this variant to ClinVar. Based on the evidence outlined above, the variant was classified as uncertain significance.